The following is an entry in ClinVar:

NM_004336.5(BUB1):c.1950G>C (p.Arg650Ser)

Gene: BUB1 (BUB1 mitotic checkpoint serine/threonine kinase; minus strand). Cytogenetic location: 2q13.
Variant type: single nucleotide variant.
Coding change: c.1950G>C on transcript NM_004336.5 (MANE Select); coding-DNA position 1950, G replaced by C.
Protein change: p.Arg650Ser; replaces arginine 650 with serine.
Molecular consequence: missense variant.
Genome position (GRCh38, 1-based): chr2:110,653,450, C>G on the plus strand (G>C on the coding strand, the complement: BUB1 is on the minus strand). VCF-style: chr2-110653450-C-G. GRCh37 (hg19) VCF-style: chr2-111411027-C-G.
Other names: c.1890G>C, p.Arg630Ser (NM_001278616.2); c.1950G>C, p.Arg650Ser (NM_001278617.2); short protein forms R630S, R650S.
Identifiers: ClinVar variation 1783229 (VCV001783229.2), dbSNP rs1689835639, ClinGen allele CA348210244.
Genomic context (GRCh38, chr2:110,653,450, plus strand): 5'-AATGAAAATGAAGAGAATGGCAGAACCAAATAAACCCTCACAATACCTGAATTTTCCATC[C>G]CTTGAAGGCACCACCATGTTTTCCTCACAAGAATCCAAAGTCGCCTGGGTACACTGTTTT-3'
Protein context (NP_004327.1, residues 640-660): SCEENMVVPS[Arg650Ser]DGKFSPIQEK

ClinVar aggregate classification (germline): Uncertain significance (1 of 4 stars; one submission).

Submission:

Ambry Genetics
Classification: Uncertain significance. Last evaluated: 2022-04-25. Review status: criteria provided, single submitter. Criteria: Ambry Variant Classification Scheme 2023. Collection method: clinical testing. Allele origin: germline.
Comment: The p.R650S variant (also known as c.1950G>C), located in coding exon 17 of the BUB1 gene, results from a G to C substitution at nucleotide position 1950. The arginine at codon 650 is replaced by serine, an amino acid with dissimilar properties. This amino acid position is conserved. In addition, this alteration is predicted to be tolerated by in silico analysis. Since supporting evidence is limited at this time, the clinical significance of this alteration remains unclear.